The following is an entry in ClinVar:

NM_001853.4(COL9A3):c.632G>A (p.Gly211Asp)

Gene: COL9A3 (collagen type IX alpha 3 chain; plus strand). Cytogenetic location: 20q13.33.
Variant type: single nucleotide variant.
Coding change: c.632G>A on transcript NM_001853.4 (MANE Select); coding-DNA position 632, G replaced by A.
Protein change: p.Gly211Asp; replaces glycine 211 with aspartic acid.
Molecular consequence: missense variant.
Genome position (GRCh38, 1-based): chr20:62,825,818, G>A. VCF-style: chr20-62825818-G-A. GRCh37 (hg19) VCF-style: chr20-61457170-G-A.
Other names: short protein forms G211D.
Identifiers: ClinVar variation 3649959 (VCV003649959.2).

ClinVar aggregate classification (germline): Uncertain significance (1 of 4 stars; one submission).

Submission:

Labcorp Genetics (formerly Invitae), Labcorp
Classification: Uncertain significance. Last evaluated: 2024-06-21. Review status: criteria provided, single submitter. Criteria: Invitae Variant Classification Sherloc (09022015). Collection method: clinical testing. Allele origin: germline.
Comment: This sequence change replaces glycine, which is neutral and non-polar, with aspartic acid, which is acidic and polar, at codon 211 of the COL9A3 protein (p.Gly211Asp). This variant is not present in population databases (gnomAD no frequency). This variant has not been reported in the literature in individuals affected with COL9A3-related conditions. Experimental studies and prediction algorithms are not available or were not evaluated, and the functional significance of this variant is currently unknown. In summary, the available evidence is currently insufficient to determine the role of this variant in disease. Therefore, it has been classified as a Variant of Uncertain Significance.